The following is an entry in ClinVar:

ClinVar aggregate classification (germline): Benign. Review status: criteria provided, multiple submitters, no conflicts (2 of 4 stars). 2 submissions from 2 submitters: Benign (2). Last evaluated 2018-06-20.

Conditions:
Leigh syndrome (NULS). Also called: Leigh's necrotizing encephalopathy; Leigh's disease; Leigh's syndrome; Leigh Syndrome (mtDNA deletion); Leigh Disease; LEIGH SYNDROME, NUCLEAR. Identifiers: Orphanet 506, MedGen C2931891, MONDO:0009723, OMIM 256000.

Allele frequency attached by ClinVar (database versions not stated): 1000 Genomes Project 30x 0.10743; gnomAD 0.09586; 1000 Genomes Project 0.10643; TOPMed 0.09208.
gnomAD v4.1: 116,518 of 985,296 alleles (12%); highest among the groups gnomAD compares: East Asian, 21%; 7,455 homozygotes.

Submissions (2):

Blueprint Genetics
Classification: Benign. Last evaluated: 2018-06-20. Review status: criteria provided, single submitter. Criteria: ACMG Guidelines, 2015. Collection method: clinical testing. Allele origin: germline.

Illumina Laboratory Services, Illumina
Classification: Benign for Leigh syndrome. Last evaluated: 2018-01-13. Review status: criteria provided, single submitter. Criteria: ICSL Variant Classification Criteria 13 December 2019. Collection method: clinical testing. Allele origin: germline.
Comment: This variant was observed in the ICSL laboratory as part of a predisposition screen in an ostensibly healthy population. It had not been previously curated by ICSL or reported in the Human Gene Mutation Database (HGMD: prior to June 1st, 2018), and was therefore a candidate for classification through an automated scoring system. Utilizing variant allele frequency, disease prevalence and penetrance estimates, and inheritance mode, an automated score was calculated to assess if this variant is too frequent to cause the disease. Based on the score and internal cut-off values, a variant classified as benign is not then subjected to further curation. The score for this variant resulted in a classification of benign for this disease.

NM_004376.5(COX15):c.*3268A>C

Genes: COX15 (cytochrome c oxidase assembly factor COX15; minus strand), ENTPD7 (ectonucleoside triphosphate diphosphohydrolase 7; plus strand). Cytogenetic location: 10q24.2.
Variant type: single nucleotide variant.
Coding change: c.*3268A>C on transcript NM_004376.5; 3268 bases downstream of the stop codon, A replaced by C.
Molecular consequence: 3 prime UTR variant (on NM_020354.5). On other transcripts: intron variant (1).
Genome position (GRCh38, 1-based): chr10:99,710,146, T>G on the plus strand (A>C on the coding strand, the complement: COX15 is on the minus strand). VCF-style: chr10-99710146-T-G. GRCh37 (hg19) VCF-style: chr10-101469903-T-G.
Other names: c.*4441A>C (NM_078470.4); c.*5463T>G (NM_001349962.2, NM_001349963.2, NM_020354.5); c.1101+6202A>C (NM_001320974.2).
Identifiers: ClinVar variation 298377 (VCV000298377.8), dbSNP rs1056844, ClinGen allele CA10629620.
Genomic context (GRCh38, chr10:99,710,146, plus strand): 5'-CTGAGCCTCTTCTTTTAAAGGGCAACCACTTGTATACCCTCTGGTGGCCACTCCTCCTTC[T>G]CCACTCCAAGGCAGCCCTGGTACTTTCCTAAGTGGCCCCTCCTACAGAGCACTTGCCGGC-3'